The following is an entry in ClinVar:

ClinVar aggregate classification (germline): Likely benign. Review status: criteria provided, multiple submitters, no conflicts (2 of 4 stars). 4 submissions from 4 submitters: Likely benign (3). 1 of the submissions does not count toward it. Last evaluated 2025-01-02.

Conditions:
ANKRD26-related disorder. Also called: ANKRD26-related condition.
Inborn genetic diseases. Identifiers: MedGen C0950123, MeSH D030342.

Allele frequency attached by ClinVar (database versions not stated): gnomAD 0.00001; gnomAD exomes 0.00002; TOPMed 0.00002; ExAC 0.00003.
gnomAD v4.1: 27 of 1,486,286 alleles (0.0018%); highest among the groups gnomAD compares: Non-Finnish European, 0.0024%; no homozygotes.

Submissions (4):

Labcorp Genetics (formerly Invitae), Labcorp
Classification: Likely benign. Last evaluated: 2025-01-02. Review status: criteria provided, single submitter. Criteria: Invitae Variant Classification Sherloc (09022015). Collection method: clinical testing. Allele origin: germline.

Ambry Genetics
Classification: Likely benign for Inborn genetic diseases. Last evaluated: 2024-11-22. Review status: criteria provided, single submitter. Criteria: Ambry Variant Classification Scheme 2023. Collection method: clinical testing. Allele origin: germline.

Blueprint Genetics
Classification: Likely benign. Last evaluated: 2023-05-23. Review status: criteria provided, single submitter. Criteria: ACMG Guidelines, 2015. Collection method: clinical testing. Allele origin: germline.

PreventionGenetics, part of Exact Sciences
Classification: Likely benign for ANKRD26-related condition. Last evaluated: 2022-08-24. Review status: no assertion criteria provided. Collection method: clinical testing. Allele origin: germline. Not counted in ClinVar's aggregate classification.
Comment: This variant is classified as likely benign based on ACMG/AMP sequence variant interpretation guidelines (Richards et al. 2015 PMID: 25741868, with internal and published modifications).

NM_014915.3(ANKRD26):c.4077G>A (p.Glu1359=)

Gene: ANKRD26 (ankyrin repeat domain 26; minus strand). Cytogenetic location: 10p12.1.
Variant type: single nucleotide variant.
Coding change: c.4077G>A on transcript NM_014915.3 (MANE Select); coding-DNA position 4077, G replaced by A.
Protein change: p.Glu1359=; no amino-acid change (glutamic acid 1359 retained).
Molecular consequence: synonymous variant.
Genome position (GRCh38, 1-based): chr10:27,024,455, C>T on the plus strand (G>A on the coding strand, the complement: ANKRD26 is on the minus strand). VCF-style: chr10-27024455-C-T. GRCh37 (hg19) VCF-style: chr10-27313384-C-T.
Other names: c.4074G>A, p.Glu1358= (NM_001256053.2).
Identifiers: ClinVar variation 2716892 (VCV002716892.7), dbSNP rs763854793, ClinGen allele CA5447868.